The following is an entry in ClinVar:

NM_006648.4(WNK2):c.535G>C (p.Asp179His)

Gene: WNK2 (WNK lysine deficient protein kinase 2; plus strand). Cytogenetic location: 9q22.31.
Variant type: single nucleotide variant.
Coding change: c.535G>C on transcript NM_006648.4 (MANE Select); coding-DNA position 535, G replaced by C.
Protein change: p.Asp179His; replaces aspartic acid 179 with histidine.
Molecular consequence: missense variant.
Genome position (GRCh38, 1-based): chr9:93,185,464, G>C. VCF-style: chr9-93185464-G-C. GRCh37 (hg19) VCF-style: chr9-95947746-G-C.
Other names: c.535G>C, p.Asp179His (NM_001282394.3); short protein forms D179H.
Identifiers: ClinVar variation 4866695 (VCV004866695.1).
Genomic context (GRCh38, chr9:93,185,464, plus strand): 5'-GCCGAGGCGAAGCCTGAGCCCGGGCGCACTCGCCGGGACGAGCCCGAAGAGGAGGAGGAC[G>C]ACGAGGACGACCTCAAGGCCGTGGCCACCTCTCTGGACGGCCGCTTCCTCAAGTTCGACA-3'
Protein context (NP_006639.3, residues 169-189): RRDEPEEEED[Asp179His]EDDLKAVATS

ClinVar aggregate classification (germline): Uncertain significance (1 of 4 stars; one submission).

Submission:

Ambry Genetics
Classification: Uncertain significance. Last evaluated: 2026-05-23. Review status: criteria provided, single submitter. Criteria: Ambry Variant Classification Scheme 2023. Collection method: clinical testing. Allele origin: germline.
Comment: The p.D179H variant (also known as c.535G>C), located in coding exon 1 of the WNK2 gene, results from a G to C substitution at nucleotide position 535. The aspartic acid at codon 179 is replaced by histidine, an amino acid with similar properties. This amino acid position is conserved. In addition, this alteration is predicted to be tolerated by in silico analysis. Based on the available evidence, the clinical significance of this variant remains unclear.